The following is an entry in ClinVar:

NM_031483.7(ITCH):c.1405C>T (p.Arg469Cys)

Gene: ITCH (itchy E3 ubiquitin protein ligase; plus strand). Cytogenetic location: 20q11.22.
Variant type: single nucleotide variant.
Coding change: c.1405C>T on transcript NM_031483.7 (MANE Select); coding-DNA position 1405, C replaced by T.
Protein change: p.Arg469Cys; replaces arginine 469 with cysteine.
Molecular consequence: missense variant.
Genome position (GRCh38, 1-based): chr20:34,462,202, C>T. VCF-style: chr20-34462202-C-T. GRCh37 (hg19) VCF-style: chr20-33050007-C-T.
Other names: c.1405C>T, p.Arg469Cys (NM_001324198.2); c.1528C>T, p.Arg510Cys (NM_001257137.3, NM_001324197.2); c.1075C>T, p.Arg359Cys (NM_001257138.3); short protein forms R469C, R359C, R510C.
Identifiers: ClinVar variation 661307 (VCV000661307.5), dbSNP rs201066823, ClinGen allele CA9821657.

ClinVar aggregate classification (germline): Uncertain significance (1 of 4 stars; one submission).

Conditions:
Syndromic multisystem autoimmune disease due to ITCH deficiency. Also called: AUTOIMMUNE DISEASE, MULTISYSTEM, WITH FACIAL DYSMORPHISM. Identifiers: Orphanet 228426, MedGen C3150649, MONDO:0013245, OMIM 613385.

Allele frequency attached by ClinVar (database versions not stated): ExAC 0.00001; gnomAD exomes 0.00001; TOPMed 0.00001.
gnomAD v4.1: 7 of 1,613,718 alleles (0.00043%); highest among the groups gnomAD compares: Non-Finnish European, 0.00059%; no homozygotes.

Submission:

Labcorp Genetics (formerly Invitae), Labcorp
Classification: Uncertain significance for Syndromic multisystem autoimmune disease due to ITCH deficiency. Last evaluated: 2021-10-28. Review status: criteria provided, single submitter. Criteria: Invitae Variant Classification Sherloc (09022015). Collection method: clinical testing. Allele origin: germline.
Comment: This sequence change replaces arginine, which is basic and polar, with cysteine, which is neutral and slightly polar, at codon 469 of the ITCH protein (p.Arg469Cys). This variant is present in population databases (rs201066823, gnomAD 0.0009%). This variant has not been reported in the literature in individuals affected with ITCH-related conditions. ClinVar contains an entry for this variant (Variation ID: 661307). Algorithms developed to predict the effect of missense changes on protein structure and function are either unavailable or do not agree on the potential impact of this missense change (SIFT: "Not Available"; PolyPhen-2: "Probably Damaging"; Align-GVGD: "Not Available"). In summary, the available evidence is currently insufficient to determine the role of this variant in disease. Therefore, it has been classified as a Variant of Uncertain Significance.